The following is an entry in ClinVar:

NM_020822.3(KCNT1):c.3425G>A (p.Arg1142Gln)

Gene: KCNT1 (potassium sodium-activated channel subfamily T member 1; plus strand). Cytogenetic location: 9q34.3.
Variant type: single nucleotide variant.
Coding change: c.3425G>A on transcript NM_020822.3 (MANE Select); coding-DNA position 3425, G replaced by A.
Protein change: p.Arg1142Gln; replaces arginine 1142 with glutamine.
Molecular consequence: missense variant.
Genome position (GRCh38, 1-based): chr9:135,786,444, G>A. VCF-style: chr9-135786444-G-A. GRCh37 (hg19) VCF-style: chr9-138678290-G-A.
Other names: c.3290G>A, p.Arg1097Gln (NM_001272003.2); short protein forms R1142Q, R1097Q.
Identifiers: ClinVar variation 540570 (VCV000540570.10), dbSNP rs773520283, ClinGen allele CA5327814.

ClinVar aggregate classification (germline): Uncertain significance (1 of 4 stars; one submission).

Conditions:
Autosomal dominant nocturnal frontal lobe epilepsy 5. Also called: Epilepsy, nocturnal frontal lobe, 5; KCNT1-Related Epilepsy; CILIARY DYSKINESIA, PRIMARY, 28, WITHOUT SITUS INVERSUS; CILIARY DYSKINESIA, PRIMARY, 28, WITH SITUS INVERSUS. Identifiers: Orphanet 98784, MedGen C3554306, MONDO:0014002, OMIM 615005.
Developmental and epileptic encephalopathy, 14 (DEE14). Also called: Early infantile epileptic encephalopathy 14. Identifiers: Orphanet 293181, MedGen C3554195, MONDO:0013989, OMIM 614959.

Allele frequency attached by ClinVar (database versions not stated): gnomAD 0.00001; TOPMed 0.00001; ExAC 0.00002.
gnomAD v4.1: 17 of 1,597,436 alleles (0.0011%); highest among the groups gnomAD compares: South Asian, 0.0045%; no homozygotes.

Submission:

Labcorp Genetics (formerly Invitae), Labcorp
Classification: Uncertain significance for Autosomal dominant nocturnal frontal lobe epilepsy 5; Developmental and epileptic encephalopathy, 14. Last evaluated: 2026-01-01. Review status: criteria provided, single submitter. Criteria: Invitae Variant Classification Sherloc (09022015). Collection method: clinical testing. Allele origin: germline.
Comment: This sequence change replaces arginine, which is basic and polar, with glutamine, which is neutral and polar, at codon 1142 of the KCNT1 protein (p.Arg1142Gln). The frequency data for this variant in the population databases is considered unreliable, as metrics indicate poor data quality at this position in the gnomAD database. This variant has not been reported in the literature in individuals affected with KCNT1-related conditions. ClinVar contains an entry for this variant (Variation ID: 540570). Invitae Evidence Modeling of protein sequence and biophysical properties (such as structural, functional, and spatial information, amino acid conservation, physicochemical variation, residue mobility, and thermodynamic stability) indicates that this missense variant is not expected to disrupt KCNT1 protein function with a negative predictive value of 80%. In summary, the available evidence is currently insufficient to determine the role of this variant in disease. Therefore, it has been classified as a Variant of Uncertain Significance.